The following is an entry in ClinVar:

NM_001286577.2(C2CD3):c.3916G>A (p.Asp1306Asn)

Gene: C2CD3 (C2 domain containing 3 centriole elongation regulator; minus strand). Cytogenetic location: 11q13.4.
Variant type: single nucleotide variant.
Coding change: c.3916G>A on transcript NM_001286577.2 (MANE Select); coding-DNA position 3916, G replaced by A.
Protein change: p.Asp1306Asn; replaces aspartic acid 1306 with asparagine.
Molecular consequence: missense variant.
Genome position (GRCh38, 1-based): chr11:74,084,965, C>T on the plus strand (G>A on the coding strand, the complement: C2CD3 is on the minus strand). VCF-style: chr11-74084965-C-T. GRCh37 (hg19) VCF-style: chr11-73796010-C-T.
Other names: c.3916G>A, p.Asp1306Asn (NM_015531.6); short protein forms D1306N.
Identifiers: ClinVar variation 1924009 (VCV001924009.4), dbSNP rs755284572, ClinGen allele CA6182263.

ClinVar aggregate classification (germline): Uncertain significance (1 of 4 stars; one submission).

Allele frequency attached by ClinVar (database versions not stated): gnomAD exomes 0.00002; ExAC 0.00012.

Submission:

Labcorp Genetics (formerly Invitae), Labcorp
Classification: Uncertain significance. Last evaluated: 2024-01-08. Review status: criteria provided, single submitter. Criteria: Invitae Variant Classification Sherloc (09022015). Collection method: clinical testing. Allele origin: germline.
Comment: This sequence change replaces aspartic acid, which is acidic and polar, with asparagine, which is neutral and polar, at codon 1306 of the C2CD3 protein (p.Asp1306Asn). This variant is present in population databases (rs755284572, gnomAD 0.04%). This variant has not been reported in the literature in individuals affected with C2CD3-related conditions. ClinVar contains an entry for this variant (Variation ID: 1924009). Advanced modeling of protein sequence and biophysical properties (such as structural, functional, and spatial information, amino acid conservation, physicochemical variation, residue mobility, and thermodynamic stability) performed at Invitae indicates that this missense variant is not expected to disrupt C2CD3 protein function with a negative predictive value of 80%. In summary, the available evidence is currently insufficient to determine the role of this variant in disease. Therefore, it has been classified as a Variant of Uncertain Significance.